The following is an entry in ClinVar:

ClinVar aggregate classification (germline): Pathogenic (1 of 4 stars; one submission).

Conditions:
Hereditary diffuse gastric adenocarcinoma (HDGC). Also called: DIFFUSE GASTRIC AND LOBULAR BREAST CANCER SYNDROME. Identifiers: Orphanet 26106, MedGen C1708349, MONDO:0007648, OMIM 137215.

Submission:

Myriad Genetics, Inc.
Classification: Pathogenic for Hereditary diffuse gastric adenocarcinoma. Last evaluated: 2023-06-13. Review status: criteria provided, single submitter. Criteria: Myriad Autosomal Dominant, Autosomal Recessive and X-Linked Classification Criteria (2023). Collection method: clinical testing. Allele origin: unknown.
Comment: This variant is considered pathogenic. This variant creates a frameshift predicted to result in premature protein truncation.

NM_004360.5(CDH1):c.1295_1296delinsTTTT (p.Asn432fs)

Gene: CDH1 (cadherin 1; plus strand). Cytogenetic location: 16q22.1.
Variant type: Indel.
Coding change: c.1295_1296delinsTTTT on transcript NM_004360.5 (MANE Select); coding-DNA positions 1295 to 1296, AC replaced by TTTT.
Protein change: p.Asn432fs; shifts the reading frame from asparagine 432.
Molecular consequence: frameshift variant. On other transcripts: 5 prime UTR variant (2), intron variant (1).
Genome position (GRCh38, 1-based): chr16:68,813,470-68,813,471, AC replaced by TTTT. VCF-style: chr16-68813470-AC-TTTT. GRCh37 (hg19) VCF-style: chr16-68847373-AC-TTTT.
Other names: c.-321_-320delinsTTTT (NM_001317185.2); c.-525_-524delinsTTTT (NM_001317186.2); c.1137+1207_1137+1208delinsTTTT (NM_001317184.2); short protein forms N432fs.
Identifiers: ClinVar variation 2583388 (VCV002583388.2), dbSNP rs2543927156, ClinGen allele CA2582342586.
Genomic context (GRCh38, chr16:68,813,470, plus strand): 5'-TATACACCATATTGAATGATGATGGTGGACAATTTGTCGTCACCACAAATCCAGTGAACA[AC>TTTT]GATGGCATTTTGAAAACAGCAAAGGTTTGTATGGTACCTGGCAAGATGCAGAAACTGGCA-3'